The following is an entry in ClinVar:

ClinVar aggregate classification (germline): Uncertain significance (1 of 4 stars; one submission).

Conditions:
Nemaline myopathy 2 (NEM2). Also called: Nemaline myopathy 2, autosomal recessive. Identifiers: MedGen C1850569, MONDO:0009725, OMIM 256030.

Allele frequency attached by ClinVar (database versions not stated): gnomAD exomes below 0.00001.
gnomAD v4.1: 1 of 1,613,980 alleles (0.000062%); highest among the groups gnomAD compares: Non-Finnish European, 0.000085%; no homozygotes.

Submission:

Labcorp Genetics (formerly Invitae), Labcorp
Classification: Uncertain significance for Nemaline myopathy 2. Last evaluated: 2022-04-21. Review status: criteria provided, single submitter. Criteria: Invitae Variant Classification Sherloc (09022015). Collection method: clinical testing. Allele origin: germline.
Comment: This sequence change replaces arginine, which is basic and polar, with lysine, which is basic and polar, at codon 3316 of the NEB protein (p.Arg3316Lys). This variant is present in population databases (no rsID available, gnomAD 0.0009%). This variant has not been reported in the literature in individuals affected with NEB-related conditions. Algorithms developed to predict the effect of missense changes on protein structure and function are either unavailable or do not agree on the potential impact of this missense change (SIFT: "Deleterious"; PolyPhen-2: "Not Available"; Align-GVGD: "Class C0"). In summary, the available evidence is currently insufficient to determine the role of this variant in disease. Therefore, it has been classified as a Variant of Uncertain Significance.

NM_001164508.2(NEB):c.9947G>A (p.Arg3316Lys)

Gene: NEB (nebulin; minus strand). Cytogenetic location: 2q23.3.
Variant type: single nucleotide variant.
Coding change: c.9947G>A on transcript NM_001164508.2 (MANE Select); coding-DNA position 9947, G replaced by A.
Protein change: p.Arg3316Lys; replaces arginine 3316 with lysine.
Molecular consequence: missense variant.
Genome position (GRCh38, 1-based): chr2:151,627,719, C>T on the plus strand (G>A on the coding strand, the complement: NEB is on the minus strand). VCF-style: chr2-151627719-C-T. GRCh37 (hg19) VCF-style: chr2-152484233-C-T.
Other names: c.9947G>A, p.Arg3316Lys (NM_001164507.2, NM_001271208.2); c.9218G>A, p.Arg3073Lys (NM_004543.5); short protein forms R3073K, R3316K.
Identifiers: ClinVar variation 1932469 (VCV001932469.2), dbSNP rs1190414852, ClinGen allele CA348795734.